The following is an entry in ClinVar:

NM_000074.3(CD40LG):c.380dup (p.Ser128fs)

Gene: CD40LG (CD40 ligand; plus strand). Cytogenetic location: Xq26.3.
Variant type: Duplication.
Coding change: c.380dup on transcript NM_000074.3 (MANE Select); coding-DNA position 380, one base duplicated (T; older notation c.380dupT).
Protein change: p.Ser128fs; shifts the reading frame from serine 128.
Molecular consequence: frameshift variant.
Genome position (GRCh38, 1-based): chrX:136,656,389, T duplicated. VCF-style (leftmost placement, unchanged base first): chrX-136656388-A-AT. GRCh37 (hg19) VCF-style: chrX-135738547-A-AT.
Other names: short protein forms S128fs.
Identifiers: ClinVar variation 4724823 (VCV004724823.1).

ClinVar aggregate classification (germline): Pathogenic (1 of 4 stars; one submission).

Conditions:
Hyper-IgM syndrome type 1. Also called: Immunodeficiency, X-linked, with hyper-IgM; Hyper-IgM Immunodeficiency Syndrome, Type 1; CD40 Ligand Deficiency; X-linked hyper-IgM syndrome. Identifiers: Orphanet 101088, MedGen C0398689, MONDO:0010626, OMIM 308230.

Submission:

Labcorp Genetics (formerly Invitae), Labcorp
Classification: Pathogenic for Hyper-IgM syndrome type 1. Last evaluated: 2025-08-04. Review status: criteria provided, single submitter. Criteria: Invitae Variant Classification Sherloc (09022015). Collection method: clinical testing. Allele origin: germline.
Comment: This sequence change creates a premature translational stop signal (p.Ser128Lysfs*2) in the CD40LG gene. While this is not anticipated to result in nonsense mediated decay, it is expected to disrupt the last 134 amino acid(s) of the CD40LG protein. This variant is not present in population databases (gnomAD no frequency). This variant has not been reported in the literature in individuals affected with CD40LG-related conditions. This variant disrupts a region of the CD40LG protein in which other variant(s) (p.Gln232*) have been determined to be pathogenic (PMID: 8550833, 18805740). This suggests that this is a clinically significant region of the protein, and that variants that disrupt it are likely to be disease-causing. For these reasons, this variant has been classified as Pathogenic.

Literature cited by the submitters: PubMed 8550833; PubMed 18805740.